The following is an entry in ClinVar:

ClinVar aggregate classification (germline): Uncertain significance (1 of 4 stars; one submission).

Conditions:
Walker-Warburg congenital muscular dystrophy. Also called: Muscular dystrophy-dystroglycanopathy, type A; Walker-Warburg syndrome. Identifiers: Orphanet 899, MedGen C0265221, MONDO:0000171.

Submission:

Labcorp Genetics (formerly Invitae), Labcorp
Classification: Uncertain significance for Walker-Warburg congenital muscular dystrophy. Last evaluated: 2021-12-03. Review status: criteria provided, single submitter. Criteria: Invitae Variant Classification Sherloc (09022015). Collection method: clinical testing. Allele origin: germline.
Comment: In summary, the available evidence is currently insufficient to determine the role of this variant in disease. Therefore, it has been classified as a Variant of Uncertain Significance. Algorithms developed to predict the effect of missense changes on protein structure and function are either unavailable or do not agree on the potential impact of this missense change (SIFT: "Deleterious"; PolyPhen-2: "Probably Damaging"; Align-GVGD: "Class C0"). This variant has not been reported in the literature in individuals affected with FKRP-related conditions. This variant is not present in population databases (gnomAD no frequency). This sequence change replaces proline, which is neutral and non-polar, with threonine, which is neutral and polar, at codon 305 of the FKRP protein (p.Pro305Thr).

NM_024301.5(FKRP):c.913C>A (p.Pro305Thr)

Gene: FKRP (fukutin related protein; plus strand). Cytogenetic location: 19q13.32.
Variant type: single nucleotide variant.
Coding change: c.913C>A on transcript NM_024301.5 (MANE Select); coding-DNA position 913, C replaced by A.
Protein change: p.Pro305Thr; replaces proline 305 with threonine.
Molecular consequence: missense variant.
Genome position (GRCh38, 1-based): chr19:46,756,363, C>A. VCF-style: chr19-46756363-C-A. GRCh37 (hg19) VCF-style: chr19-47259620-C-A.
Other names: c.913C>A, p.Pro305Thr (NM_001039885.3); short protein forms P305T.
Identifiers: ClinVar variation 1379566 (VCV001379566.4), dbSNP rs2122626729, ClinGen allele CA406496269.